The following is an entry in ClinVar:

ClinVar aggregate classification (germline): Uncertain significance (1 of 4 stars; one submission).

Conditions:
Cardiovascular phenotype. Identifiers: MedGen CN230736.

Submission:

Ambry Genetics
Classification: Uncertain significance for Cardiovascular phenotype. Last evaluated: 2021-06-23. Review status: criteria provided, single submitter. Criteria: Ambry Variant Classification Scheme 2023. Collection method: clinical testing. Allele origin: germline.
Comment: The c.23526_23528dupAAA variant (also known as p.K7843dup), located in coding exon 96 of the TTN gene, results from an in-frame duplication of AAA at nucleotide positions 23526 to 23528. This results in the duplication of an extra lysine residue between codons 7843 and 7844. This amino acid position is highly conserved in available vertebrate species. In addition, this alteration is predicted to be deleterious by in silico analysis (Choi Y et al. PLoS ONE. 2012; 7(10):e46688). Since supporting evidence is limited at this time, the clinical significance of this alteration remains unclear.

NM_001267550.2(TTN):c.50721_50723dup (p.Lys16908_Asp16909insLys)

Genes: TTN (titin; minus strand), TTN-AS1 (TTN antisense RNA 1; plus strand). Cytogenetic location: 2q31.2.
Variant type: Duplication.
Coding change: c.50721_50723dup on transcript NM_001267550.2 (MANE Select); coding-DNA positions 50721 to 50723, 3 bases duplicated (AAA; older notation c.50721_50723dupAAA).
Protein change: p.Lys16908_Asp16909insLys.
Molecular consequence: inframe insertion.
Genome position (GRCh38, 1-based): chr2:178,611,506-178,611,508, TTT duplicated on the plus strand (AAA on the coding strand, the reverse complement: TTN is on the minus strand). VCF-style (leftmost placement, unchanged base first): chr2-178611505-C-CTTT. GRCh37 (hg19) VCF-style: chr2-179476232-C-CTTT.
Other names: c.45798_45800dup, p.Lys15267_Asp15268insLys (NM_001256850.1); c.23526_23528dup, p.Lys7843_Asp7844insLys (NM_003319.4); c.43017_43019dup, p.Lys14340_Asp14341insLys (NM_133378.4); c.23901_23903dup, p.Lys7968_Asp7969insLys (NM_133432.3); c.24102_24104dup, p.Lys8035_Asp8036insLys (NM_133437.4); c.23526_23528dupAAA (NM_003319.4).
Identifiers: ClinVar variation 1790025 (VCV001790025.2), dbSNP rs2056319448, ClinGen allele CA1310548182.